The following is an entry in ClinVar:

NM_001002294.3(FMO3):c.706G>A (p.Val236Ile)

Gene: FMO3 (flavin containing dimethylaniline monoxygenase 3; plus strand). Cytogenetic location: 1q24.3.
Variant type: single nucleotide variant.
Coding change: c.706G>A on transcript NM_001002294.3 (MANE Select); coding-DNA position 706, G replaced by A.
Protein change: p.Val236Ile; replaces valine 236 with isoleucine.
Molecular consequence: missense variant.
Genome position (GRCh38, 1-based): chr1:171,110,876, G>A. VCF-style: chr1-171110876-G-A. GRCh37 (hg19) VCF-style: chr1-171080017-G-A.
Other names: c.646G>A, p.Val216Ile (NM_001319173.2); c.517G>A, p.Val173Ile (NM_001319174.2); c.706G>A, p.Val236Ile (NM_006894.6); short protein forms V236I, V173I, V216I.
Identifiers: ClinVar variation 293691 (VCV000293691.10), dbSNP rs201271626, ClinGen allele CA1240634.

ClinVar aggregate classification (germline): Benign/Likely benign. Review status: criteria provided, multiple submitters, no conflicts (2 of 4 stars). 3 submissions from 3 submitters: Benign (1); Likely benign (1). 1 of the submissions does not count toward it. Last evaluated 2026-01-25.

Conditions:
FMO3-related disorder. Also called: FMO3-related condition.
Trimethylaminuria (TMAU). Also called: FISH-ODOR SYNDROME; Fish malodor syndrome; Stale fish syndrome; TMAuria; Primary Trimethylaminuria. Identifiers: MedGen C0342739, MONDO:0011182, OMIM 602079, HP:0003614. Disease mechanism: loss of function.

Allele frequency attached by ClinVar (database versions not stated): gnomAD 0.00004 and 0.00024; gnomAD exomes 0.00045 and 0.00104; TOPMed 0.00002; ExAC 0.00116; 1000 Genomes Project 30x 0.00219; 1000 Genomes Project 0.00220.
gnomAD v4.1: 689 of 1,613,998 alleles (0.043%); highest among the groups gnomAD compares: South Asian, 0.68%; 4 homozygotes.

Submissions (3):

Labcorp Genetics (formerly Invitae), Labcorp
Classification: Benign. Last evaluated: 2026-01-25. Review status: criteria provided, single submitter. Criteria: Invitae Variant Classification Sherloc (09022015). Collection method: clinical testing. Allele origin: germline.

Illumina Laboratory Services, Illumina
Classification: Likely benign for Trimethylaminuria. Last evaluated: 2018-01-13. Review status: criteria provided, single submitter. Criteria: ICSL Variant Classification Criteria 13 December 2019. Collection method: clinical testing. Allele origin: germline.
Comment: This variant was observed in the ICSL laboratory as part of a predisposition screen in an ostensibly healthy population. It had not been previously curated by ICSL or reported in the Human Gene Mutation Database (HGMD: prior to June 1st, 2018), and was therefore a candidate for classification through an automated scoring system. Utilizing variant allele frequency, disease prevalence and penetrance estimates, and inheritance mode, an automated score was calculated to assess if this variant is too frequent to cause the disease. Based on the score and internal cut-off values, a variant classified as likely benign is not then subjected to further curation. The score for this variant resulted in a classification of likely benign for this disease.

PreventionGenetics, part of Exact Sciences
Classification: Benign for FMO3-related condition. Last evaluated: 2022-01-23. Review status: no assertion criteria provided. Collection method: clinical testing. Allele origin: germline. Not counted in ClinVar's aggregate classification.
Comment: This variant is classified as benign based on ACMG/AMP sequence variant interpretation guidelines (Richards et al. 2015 PMID: 25741868, with internal and published modifications).